The following is an entry in ClinVar:

ClinVar aggregate classification (germline): Uncertain significance (1 of 4 stars; one submission).

Submission:

Women's Health and Genetics/Laboratory Corporation of America, LabCorp
Classification: Uncertain significance. Last evaluated: 2025-07-07. Review status: criteria provided, single submitter. Criteria: LabCorp Variant Classification Summary - May 2015. Collection method: clinical testing. Allele origin: germline.
Comment: Variant summary: MACF1 c.7687C>T (p.Arg2563Cys) results in a non-conservative amino acid change in the encoded protein sequence. Algorithms developed to predict the effect of missense changes on protein structure and function are either unavailable or do not agree on the potential impact of this missense change. The variant allele was found at a frequency of 4e-06 in 251034 control chromosomes. The available data on variant occurrences in the general population are insufficient to allow any conclusion about variant significance. To our knowledge, no occurrence of c.7687C>T in individuals affected with Lissencephaly 9 With Complex Brainstem Malformation and no experimental evidence demonstrating its impact on protein function have been reported. No submitters have cited clinical-significance assessments for this variant to ClinVar. Based on the evidence outlined above, the variant was classified as uncertain significance.

NM_001394062.1(MACF1):c.13873C>T (p.Arg4625Cys)

Gene: MACF1 (microtubule actin crosslinking factor 1; plus strand). Cytogenetic location: 1p34.3.
Variant type: single nucleotide variant.
Coding change: c.13873C>T on transcript NM_001394062.1 (MANE Select); coding-DNA position 13873, C replaced by T.
Protein change: p.Arg4625Cys; replaces arginine 4625 with cysteine.
Molecular consequence: missense variant.
Genome position (GRCh38, 1-based): chr1:39,385,458, C>T. VCF-style: chr1-39385458-C-T. GRCh37 (hg19) VCF-style: chr1-39851130-C-T.
Other names: c.7687C>T, p.Arg2563Cys (NM_012090.5); short protein forms R2563C, R4625C.
Identifiers: ClinVar variation 3912042 (VCV003912042.2).
Genomic context (GRCh38, chr1:39,385,458, plus strand): 5'-TCCTGTCTAAACATCTTGGTGTCATTTCTATTTCAGTTTATGCTAAAGGAATTTGAAGCA[C>T]GCAGGCAACAGCATGAGCAACTGAATGAGGCAGCTCAGGGCATCCTAACAGGCCCTGGAG-3'
Protein context (NP_001380991.1, residues 4615-4635): VQFMLKEFEA[Arg4625Cys]RQQHEQLNEA